The following is an entry in ClinVar:

ClinVar aggregate classification (germline): Uncertain significance. Review status: criteria provided, single submitter (1 of 4 stars). 2 submissions from 2 submitters: Uncertain significance (1). 1 of the submissions does not count toward it. Last evaluated 2022-09-12.

Conditions:
Carnitine palmitoyl transferase 1A deficiency. Also called: Carnitine palmitoyltransferase type I deficiency; CPT I DEFICIENCY; CPT DEFICIENCY, HEPATIC, TYPE I; CPT deficiency, hepatic, type IA; Carnitine palmitoyltransferase 1A deficiency. Identifiers: Orphanet 156, MedGen C1829703, MONDO:0009705, OMIM 255120.

Allele frequency attached by ClinVar (database versions not stated): gnomAD exomes below 0.00001 and 0.00002; gnomAD 0.00001; TOPMed 0.00002.
gnomAD v4.1: 28 of 1,614,080 alleles (0.0017%); highest among the groups gnomAD compares: Non-Finnish European, 0.0024%; no homozygotes.

Submissions (2):

Labcorp Genetics (formerly Invitae), Labcorp
Classification: Uncertain significance for Carnitine palmitoyl transferase 1A deficiency. Last evaluated: 2022-09-12. Review status: criteria provided, single submitter. Criteria: Invitae Variant Classification Sherloc (09022015). Collection method: clinical testing. Allele origin: germline.
Comment: This sequence change replaces glycine, which is neutral and non-polar, with alanine, which is neutral and non-polar, at codon 400 of the CPT1A protein (p.Gly400Ala). This variant is present in population databases (no rsID available, gnomAD 0.0009%). This variant has not been reported in the literature in individuals affected with CPT1A-related conditions. ClinVar contains an entry for this variant (Variation ID: 643437). Advanced modeling of protein sequence and biophysical properties (such as structural, functional, and spatial information, amino acid conservation, physicochemical variation, residue mobility, and thermodynamic stability) performed at Invitae indicates that this missense variant is not expected to disrupt CPT1A protein function. In summary, the available evidence is currently insufficient to determine the role of this variant in disease. Therefore, it has been classified as a Variant of Uncertain Significance.

Natera, Inc.
Classification: Uncertain significance for Carnitine palmitoyltransferase type I deficiency. Last evaluated: 2020-03-11. Review status: no assertion criteria provided. Collection method: clinical testing. Allele origin: germline. Not counted in ClinVar's aggregate classification.

NM_001876.4(CPT1A):c.1199G>C (p.Gly400Ala)

Genes: CPT1A (carnitine palmitoyltransferase 1A; minus strand), LOC126861244 (BRD4-independent group 4 enhancer GRCh37_chr11:68549035-68550234; plus strand). Cytogenetic location: 11q13.3.
Variant type: single nucleotide variant.
Coding change: c.1199G>C on transcript NM_001876.4 (MANE Select); coding-DNA position 1199, G replaced by C.
Protein change: p.Gly400Ala; replaces glycine 400 with alanine.
Molecular consequence: missense variant.
Genome position (GRCh38, 1-based): chr11:68,781,924, C>G on the plus strand (G>C on the coding strand, the complement: CPT1A is on the minus strand). VCF-style: chr11-68781924-C-G. GRCh37 (hg19) VCF-style: chr11-68549392-C-G.
Other names: c.1199G>C, p.Gly400Ala (NM_001031847.3); short protein forms G400A.
Identifiers: ClinVar variation 643437 (VCV000643437.5), dbSNP rs889632692, ClinGen allele CA223374278.